The following is an entry in ClinVar:

NM_001130823.3(DNMT1):c.4150C>T (p.Arg1384Ter)

Gene: DNMT1 (DNA methyltransferase 1; minus strand). Cytogenetic location: 19p13.2.
Variant type: single nucleotide variant.
Coding change: c.4150C>T on transcript NM_001130823.3 (MANE Select); coding-DNA position 4150, C replaced by T.
Protein change: p.Arg1384Ter; replaces arginine 1384 with a stop codon.
Molecular consequence: nonsense.
Genome position (GRCh38, 1-based): chr19:10,137,975, G>A on the plus strand (C>T on the coding strand, the complement: DNMT1 is on the minus strand). VCF-style: chr19-10137975-G-A. GRCh37 (hg19) VCF-style: chr19-10248651-G-A.
Other names: c.4102C>T, p.Arg1368Ter (NM_001318730.2, NM_001379.4); c.3787C>T, p.Arg1263Ter (NM_001318731.2); short protein forms R1384*, R1263*, R1368*.
Identifiers: ClinVar variation 4995134 (VCV004995134.1).

ClinVar aggregate classification (germline): Uncertain significance (1 of 4 stars; one submission).

Conditions:
DNMT1-related disorder. Also called: DNMT1-related condition. Identifiers: MedGen CN381527.

Submission:

PreventionGenetics, part of Exact Sciences
Classification: Uncertain significance for DNMT1-related condition. Last evaluated: 2026-09-23. Review status: criteria provided, single submitter. Criteria: ACMG Guidelines, 2015. Collection method: clinical testing. Allele origin: germline.
Comment: The DNMT1 c.4150C>T variant is predicted to result in premature protein termination (p.Arg1384*). To our knowledge, this variant has not been reported in the literature or in a large population database (gnomAD), indicating this variant is rare. Loss of function is not an established mechanism of DNMT1-related disease. At this time, the clinical significance of this variant is uncertain due to the absence of conclusive functional and genetic evidence.